The following is an entry in ClinVar:

NM_001330691.3(CEP78):c.1254A>G (p.Gln418=)

Gene: CEP78 (centrosomal protein 78; plus strand). Cytogenetic location: 9q21.2.
Variant type: single nucleotide variant.
Coding change: c.1254A>G on transcript NM_001330691.3 (MANE Select); coding-DNA position 1254, A replaced by G.
Protein change: p.Gln418=; no amino-acid change (glutamine 418 retained).
Molecular consequence: synonymous variant.
Genome position (GRCh38, 1-based): chr9:78,254,838, A>G. VCF-style: chr9-78254838-A-G. GRCh37 (hg19) VCF-style: chr9-80869754-A-G.
Other names: c.1257A>G, p.Gln419= (NM_001098802.3, NM_001349839.2, NM_001349840.2 and 1 more transcripts); c.1254A>G, p.Gln418= (NM_001330693.3, NM_001330694.2, NM_001349838.2).
Identifiers: ClinVar variation 855530 (VCV000855530.8), dbSNP rs1044987197, ClinGen allele CA194404728.

ClinVar aggregate classification (germline): Conflicting classifications of pathogenicity. Review status: criteria provided, conflicting classifications (1 of 4 stars). 2 submissions from 2 submitters: Uncertain significance (1); Likely benign (1). Last evaluated 2024-04-25.

Allele frequency attached by ClinVar (database versions not stated): gnomAD exomes 0.00001 and 0.00005; TOPMed 0.00002.
gnomAD v4.1: 78 of 1,605,450 alleles (0.0049%); highest among the groups gnomAD compares: Non-Finnish European, 0.0065%; no homozygotes.

Submissions (2):

Blueprint Genetics
Classification: Likely benign. Last evaluated: 2024-04-25. Review status: criteria provided, single submitter. Criteria: ACMG Guidelines, 2015. Collection method: clinical testing. Allele origin: germline.

Labcorp Genetics (formerly Invitae), Labcorp
Classification: Uncertain significance. Last evaluated: 2023-08-17. Review status: criteria provided, single submitter. Criteria: Invitae Variant Classification Sherloc (09022015). Collection method: clinical testing. Allele origin: germline.
Comment: This sequence change affects codon 419 of the CEP78 mRNA. It is a 'silent' change, meaning that it does not change the encoded amino acid sequence of the CEP78 protein. This variant is present in population databases (no rsID available, gnomAD 0.002%). This variant has not been reported in the literature in individuals affected with CEP78-related conditions. ClinVar contains an entry for this variant (Variation ID: 855530). Algorithms developed to predict the effect of sequence changes on RNA splicing suggest that this variant may disrupt the consensus splice site. In summary, the available evidence is currently insufficient to determine the role of this variant in disease. Therefore, it has been classified as a Variant of Uncertain Significance.